The following is an entry in ClinVar:

NM_145068.4(TRPV3):c.1450C>T (p.Leu484Phe)

Gene: TRPV3 (transient receptor potential cation channel subfamily V member 3; minus strand). Cytogenetic location: 17p13.2.
Variant type: single nucleotide variant.
Coding change: c.1450C>T on transcript NM_145068.4 (MANE Select); coding-DNA position 1450, C replaced by T.
Protein change: p.Leu484Phe; replaces leucine 484 with phenylalanine.
Molecular consequence: missense variant.
Genome position (GRCh38, 1-based): chr17:3,528,078, G>A on the plus strand (C>T on the coding strand, the complement: TRPV3 is on the minus strand). VCF-style: chr17-3528078-G-A. GRCh37 (hg19) VCF-style: chr17-3431372-G-A.
Other names: c.1450C>T, p.Leu484Phe (NM_001258205.2); c.1450C>T (NM_145068.2); short protein forms L484F.
Identifiers: ClinVar variation 2866531 (VCV002866531.4), dbSNP rs369665056, ClinGen allele CA8289453.

ClinVar aggregate classification (germline): Uncertain significance. Review status: criteria provided, multiple submitters, no conflicts (2 of 4 stars). 2 submissions from 2 submitters: Uncertain significance (2). Last evaluated 2025-09-28.

Conditions:
Inborn genetic diseases. Identifiers: MedGen C0950123, MeSH D030342.

Allele frequency attached by ClinVar (database versions not stated): ExAC 0.00001; gnomAD 0.00002; gnomAD exomes 0.00002; TOPMed 0.00003; ESP Exome Variant Server 0.00008.
gnomAD v4.1: 37 of 1,613,624 alleles (0.0023%); highest among the groups gnomAD compares: Non-Finnish European, 0.0031%; no homozygotes.

Submissions (2):

Ambry Genetics
Classification: Uncertain significance for Inborn genetic diseases. Last evaluated: 2025-09-28. Review status: criteria provided, single submitter. Criteria: Ambry Variant Classification Scheme 2023. Collection method: clinical testing. Allele origin: germline.

Labcorp Genetics (formerly Invitae), Labcorp
Classification: Uncertain significance. Last evaluated: 2024-02-20. Review status: criteria provided, single submitter. Criteria: Invitae Variant Classification Sherloc (09022015). Collection method: clinical testing. Allele origin: germline.
Comment: This sequence change replaces leucine, which is neutral and non-polar, with phenylalanine, which is neutral and non-polar, at codon 484 of the TRPV3 protein (p.Leu484Phe). This variant is present in population databases (rs369665056, gnomAD 0.002%). This variant has not been reported in the literature in individuals affected with TRPV3-related conditions. An algorithm developed to predict the effect of missense changes on protein structure and function (PolyPhen-2) suggests that this variant is likely to be disruptive. In summary, the available evidence is currently insufficient to determine the role of this variant in disease. Therefore, it has been classified as a Variant of Uncertain Significance.